The following is an entry in ClinVar:

ClinVar aggregate classification (germline): Uncertain significance (1 of 4 stars; one submission).

Submission:

Labcorp Genetics (formerly Invitae), Labcorp
Classification: Uncertain significance. Last evaluated: 2024-02-23. Review status: criteria provided, single submitter. Criteria: Invitae Variant Classification Sherloc (09022015). Collection method: clinical testing. Allele origin: germline.
Comment: This sequence change replaces aspartic acid, which is acidic and polar, with asparagine, which is neutral and polar, at codon 925 of the SETBP1 protein (p.Asp925Asn). This variant is not present in population databases (gnomAD no frequency). This variant has not been reported in the literature in individuals affected with SETBP1-related conditions. Advanced modeling of protein sequence and biophysical properties (such as structural, functional, and spatial information, amino acid conservation, physicochemical variation, residue mobility, and thermodynamic stability) performed at Invitae indicates that this missense variant is not expected to disrupt SETBP1 protein function with a negative predictive value of 80%. In summary, the available evidence is currently insufficient to determine the role of this variant in disease. Therefore, it has been classified as a Variant of Uncertain Significance.

NM_015559.3(SETBP1):c.2773G>A (p.Asp925Asn)

Gene: SETBP1 (SET binding protein 1; plus strand). Cytogenetic location: 18q12.3.
Variant type: single nucleotide variant.
Coding change: c.2773G>A on transcript NM_015559.3 (MANE Select); coding-DNA position 2773, G replaced by A.
Protein change: p.Asp925Asn; replaces aspartic acid 925 with asparagine.
Molecular consequence: missense variant.
Genome position (GRCh38, 1-based): chr18:44,952,113, G>A. VCF-style: chr18-44952113-G-A. GRCh37 (hg19) VCF-style: chr18-42532078-G-A.
Other names: c.2773G>A, p.Asp925Asn (NM_001379141.1, NM_001379142.1, NM_001410862.1); short protein forms D925N.
Identifiers: ClinVar variation 3642719 (VCV003642719.2).